The following is an entry in ClinVar:

ClinVar aggregate classification (germline): Uncertain significance (1 of 4 stars; one submission).

Submission:

Labcorp Genetics (formerly Invitae), Labcorp
Classification: Uncertain significance. Last evaluated: 2022-03-05. Review status: criteria provided, single submitter. Criteria: Invitae Variant Classification Sherloc (09022015). Collection method: clinical testing. Allele origin: germline.
Comment: This sequence change replaces proline, which is neutral and non-polar, with threonine, which is neutral and polar, at codon 288 of the SGPL1 protein (p.Pro288Thr). This variant is not present in population databases (gnomAD no frequency). This variant has not been reported in the literature in individuals affected with SGPL1-related conditions. Algorithms developed to predict the effect of missense changes on protein structure and function (SIFT, PolyPhen-2, Align-GVGD) all suggest that this variant is likely to be disruptive. In summary, the available evidence is currently insufficient to determine the role of this variant in disease. Therefore, it has been classified as a Variant of Uncertain Significance.

NM_003901.4(SGPL1):c.862C>A (p.Pro288Thr)

Gene: SGPL1 (sphingosine-1-phosphate lyase 1; plus strand). Cytogenetic location: 10q22.1.
Variant type: single nucleotide variant.
Coding change: c.862C>A on transcript NM_003901.4 (MANE Select); coding-DNA position 862, C replaced by A.
Protein change: p.Pro288Thr; replaces proline 288 with threonine.
Molecular consequence: missense variant.
Genome position (GRCh38, 1-based): chr10:70,871,099, C>A. VCF-style: chr10-70871099-C-A. GRCh37 (hg19) VCF-style: chr10-72630856-C-A.
Other names: short protein forms P288T.
Identifiers: ClinVar variation 2103067 (VCV002103067.4), dbSNP rs2492798743, ClinGen allele CA377123408.